The following is an entry in ClinVar:

NM_006876.3(B4GAT1):c.144C>A (p.Phe48Leu)

Gene: B4GAT1 (beta-1,4-glucuronyltransferase 1; minus strand). Cytogenetic location: 11q13.2.
Variant type: single nucleotide variant.
Coding change: c.144C>A on transcript NM_006876.3 (MANE Select); coding-DNA position 144, C replaced by A.
Protein change: p.Phe48Leu; replaces phenylalanine 48 with leucine.
Molecular consequence: missense variant.
Genome position (GRCh38, 1-based): chr11:66,347,402, G>T on the plus strand (C>A on the coding strand, the complement: B4GAT1 is on the minus strand). VCF-style: chr11-66347402-G-T. GRCh37 (hg19) VCF-style: chr11-66114873-G-T.
Other names: c.144C>A (NM_006876.2); short protein forms F48L.
Identifiers: ClinVar variation 1357657 (VCV001357657.6), dbSNP rs756392214, ClinGen allele CA6120598.

ClinVar aggregate classification (germline): Uncertain significance. Review status: criteria provided, single submitter (1 of 4 stars). 2 submissions from 2 submitters: Uncertain significance (1). 1 of the submissions does not count toward it. Last evaluated 2021-09-24.

Conditions:
B4GAT1-related disorder. Also called: B4GAT1-related condition.
Muscular dystrophy-dystroglycanopathy (congenital with brain and eye anomalies), type A13. Also called: WALKER-WARBURG SYNDROME OR MUSCLE-EYE-BRAIN DISEASE, B3GNT1-RELATED; Muscular dystrophy-dystroglycanopathy (congenital with brain and eye anomalies), type a, 13. Identifiers: Orphanet 899, MedGen C3809042, MONDO:0014120, OMIM 615287.

Allele frequency attached by ClinVar (database versions not stated): TOPMed below 0.00001; gnomAD 0.00001; gnomAD exomes 0.00001; ExAC 0.00002.

Submissions (2):

Labcorp Genetics (formerly Invitae), Labcorp
Classification: Uncertain significance for Muscular dystrophy-dystroglycanopathy (congenital with brain and eye anomalies), type A13. Last evaluated: 2021-09-24. Review status: criteria provided, single submitter. Criteria: Invitae Variant Classification Sherloc (09022015). Collection method: clinical testing. Allele origin: germline.
Comment: This sequence change replaces phenylalanine with leucine at codon 48 of the B4GAT1 protein (p.Phe48Leu). The phenylalanine residue is moderately conserved and there is a small physicochemical difference between phenylalanine and leucine. This variant is present in population databases (rs756392214, ExAC 0.004%). This variant has not been reported in the literature in individuals with B4GAT1-related conditions. Algorithms developed to predict the effect of missense changes on protein structure and function output the following: SIFT: "Tolerated"; PolyPhen-2: "Benign"; Align-GVGD: "Class C0". The leucine amino acid residue is found in multiple mammalian species, suggesting that this missense change does not adversely affect protein function. These predictions have not been confirmed by published functional studies and their clinical significance is uncertain. In summary, the available evidence is currently insufficient to determine the role of this variant in disease. Therefore, it has been classified as a Variant of Uncertain Significance.

PreventionGenetics, part of Exact Sciences
Classification: Uncertain significance for B4GAT1-related condition. Last evaluated: 2024-06-12. Review status: no assertion criteria provided. Collection method: clinical testing. Allele origin: germline. Not counted in ClinVar's aggregate classification.
Comment: The B4GAT1 c.144C>A variant is predicted to result in the amino acid substitution p.Phe48Leu. To our knowledge, this variant has not been reported in the literature. This variant is reported in 0.0033% of alleles in individuals of Latino descent in gnomAD. At this time, the clinical significance of this variant is uncertain due to the absence of conclusive functional and genetic evidence.